The following is an entry in ClinVar:

NM_000117.3(EMD):c.718T>C (p.Phe240Leu)

Gene: EMD (emerin; plus strand). Cytogenetic location: Xq28.
Variant type: single nucleotide variant.
Coding change: c.718T>C on transcript NM_000117.3 (MANE Select); coding-DNA position 718, T replaced by C.
Protein change: p.Phe240Leu; replaces phenylalanine 240 with leucine.
Molecular consequence: missense variant.
Genome position (GRCh38, 1-based): chrX:154,381,150, T>C. VCF-style: chrX-154381150-T-C. GRCh37 (hg19) VCF-style: chrX-153609510-T-C.
Other names: short protein forms F240L.
Identifiers: ClinVar variation 2085102 (VCV002085102.5), dbSNP rs782644985, ClinGen allele CA10561668.

ClinVar aggregate classification (germline): Conflicting classifications of pathogenicity. Review status: criteria provided, conflicting classifications (1 of 4 stars). 2 submissions from 2 submitters: Uncertain significance (1); Likely benign (1). Last evaluated 2024-05-21.

Conditions:
X-linked Emery-Dreifuss muscular dystrophy. Also called: Muscular dystrophy, tardive Emery-Dreifuss type, with contractures. Identifiers: Orphanet 261, Orphanet 98863, MedGen C0751337, MONDO:0010680.

Allele frequency attached by ClinVar (database versions not stated): ExAC 0.00001; gnomAD 0.00001; gnomAD exomes 0.00001; TOPMed 0.00002.
gnomAD v4.1: 14 of 1,209,810 alleles (0.0012%); highest among the groups gnomAD compares: South Asian, 0.0053%; no homozygotes.

Submissions (2):

Labcorp Genetics (formerly Invitae), Labcorp
Classification: Likely benign for X-linked Emery-Dreifuss muscular dystrophy. Last evaluated: 2024-05-21. Review status: criteria provided, single submitter. Criteria: Invitae Variant Classification Sherloc (09022015). Collection method: clinical testing. Allele origin: germline.

GeneDx
Classification: Uncertain significance. Last evaluated: 2024-03-12. Review status: criteria provided, single submitter. Criteria: GeneDx Variant Classification Process June 2021. Collection method: clinical testing. Allele origin: germline. Affected: yes.
Comment: Missense variants in this gene are a common cause of disease and they are underrepresented in the general population; In silico analysis supports that this missense variant does not alter protein structure/function; Has not been previously published as pathogenic or benign to our knowledge